The following is an entry in ClinVar:

NM_001261826.3(AP3D1):c.2090C>T (p.Pro697Leu)

Gene: AP3D1 (adaptor related protein complex 3 subunit delta 1; minus strand). Cytogenetic location: 19p13.3.
Variant type: single nucleotide variant.
Coding change: c.2090C>T on transcript NM_001261826.3 (MANE Select); coding-DNA position 2090, C replaced by T.
Protein change: p.Pro697Leu; replaces proline 697 with leucine.
Molecular consequence: missense variant.
Genome position (GRCh38, 1-based): chr19:2,115,597, G>A on the plus strand (C>T on the coding strand, the complement: AP3D1 is on the minus strand). VCF-style: chr19-2115597-G-A. GRCh37 (hg19) VCF-style: chr19-2115596-G-A.
Other names: p.Pro697Leu; c.2090C>T (NM_003938.5); c.2090C>T, p.Pro697Leu (NM_001374799.1, NM_003938.8); short protein forms P697L.
Identifiers: ClinVar variation 1375601 (VCV001375601.10), dbSNP rs140741000, ClinGen allele CA9059023.

ClinVar aggregate classification (germline): Uncertain significance. Review status: criteria provided, multiple submitters, no conflicts (2 of 4 stars). 4 submissions from 4 submitters: Uncertain significance (4). Last evaluated 2025-12-18.

Conditions:
Inborn genetic diseases. Identifiers: MedGen C0950123, MeSH D030342.

Allele frequency attached by ClinVar (database versions not stated): gnomAD 0.00006; TOPMed 0.00011; ESP Exome Variant Server 0.00016; ExAC 0.00020; 1000 Genomes Project 30x 0.00031; 1000 Genomes Project 0.00040.
gnomAD v4.1: 240 of 1,612,826 alleles (0.015%); highest among the groups gnomAD compares: South Asian, 0.069%; no homozygotes.

Submissions (4):

Labcorp Genetics (formerly Invitae), Labcorp
Classification: Uncertain significance. Last evaluated: 2025-12-18. Review status: criteria provided, single submitter. Criteria: Invitae Variant Classification Sherloc (09022015). Collection method: clinical testing. Allele origin: germline.
Comment: This sequence change replaces proline, which is neutral and non-polar, with leucine, which is neutral and non-polar, at codon 697 of the AP3D1 protein (p.Pro697Leu). This variant is present in population databases (rs140741000, gnomAD 0.05%). This variant has not been reported in the literature in individuals affected with AP3D1-related conditions. ClinVar contains an entry for this variant (Variation ID: 1375601). An algorithm developed to predict the effect of missense changes on protein structure and function (PolyPhen-2) suggests that this variant is likely to be tolerated. In summary, the available evidence is currently insufficient to determine the role of this variant in disease. Therefore, it has been classified as a Variant of Uncertain Significance.

Ambry Genetics
Classification: Uncertain significance for Inborn genetic diseases. Last evaluated: 2025-11-26. Review status: criteria provided, single submitter. Criteria: Ambry Variant Classification Scheme 2023. Collection method: clinical testing. Allele origin: germline.

Mayo Clinic Laboratories, Mayo Clinic
Classification: Uncertain significance. Last evaluated: 2024-09-18. Review status: criteria provided, single submitter. Criteria: ACMG Guidelines, 2015. Collection method: clinical testing. Allele origin: germline. Observed: 1 variant allele.
Comment: PM1_supporting, PM2_supporting

Breakthrough Genomics
Classification: Uncertain significance. Review status: criteria provided, single submitter. Criteria: ACMG Guidelines, 2015. Collection method: not provided. Allele origin: germline. Inheritance: Autosomal recessive inheritance. Affected: yes.